The following is an entry in ClinVar:

ClinVar aggregate classification (germline): Conflicting classifications of pathogenicity. Review status: criteria provided, conflicting classifications (1 of 4 stars). 4 submissions from 4 submitters: Uncertain significance (3); Likely benign (1). Last evaluated 2025-04-21.

Conditions:
Inborn genetic diseases. Identifiers: MedGen C0950123, MeSH D030342.
TTBK2-related disorder. Also called: TTBK2-related condition.

Allele frequency attached by ClinVar (database versions not stated): ExAC 0.00008; ESP Exome Variant Server 0.00008; gnomAD exomes 0.00009 and 0.00012; TOPMed 0.00012; gnomAD 0.00013; 1000 Genomes Project 0.00040; 1000 Genomes Project 30x 0.00062.
gnomAD v4.1: 195 of 1,614,200 alleles (0.012%); highest among the groups gnomAD compares: African/African-American, 0.044%; no homozygotes.

Submissions (4):

Labcorp Genetics (formerly Invitae), Labcorp
Classification: Uncertain significance. Last evaluated: 2025-04-21. Review status: criteria provided, single submitter. Criteria: Invitae Variant Classification Sherloc (09022015). Collection method: clinical testing. Allele origin: germline.
Comment: This sequence change replaces asparagine, which is neutral and polar, with serine, which is neutral and polar, at codon 416 of the TTBK2 protein (p.Asn416Ser). This variant is present in population databases (rs200010694, gnomAD 0.04%), and has an allele count higher than expected for a pathogenic variant. This variant has not been reported in the literature in individuals affected with TTBK2-related conditions. ClinVar contains an entry for this variant (Variation ID: 995025). Invitae Evidence Modeling of protein sequence and biophysical properties (such as structural, functional, and spatial information, amino acid conservation, physicochemical variation, residue mobility, and thermodynamic stability) indicates that this missense variant is not expected to disrupt TTBK2 protein function with a negative predictive value of 80%. In summary, the available evidence is currently insufficient to determine the role of this variant in disease. Therefore, it has been classified as a Variant of Uncertain Significance.

PreventionGenetics, part of Exact Sciences
Classification: Uncertain significance for TTBK2-related condition. Last evaluated: 2025-02-27. Review status: criteria provided, single submitter. Criteria: ACMG Guidelines, 2015. Collection method: clinical testing. Allele origin: germline.
Comment: The TTBK2 c.1247A>G variant is predicted to result in the amino acid substitution p.Asn416Ser. To our knowledge, this variant has not been reported in the literature. This variant is reported in 0.045% of alleles in individuals of African descent in gnomAD. Although we suspect that this variant may be benign, at this time, the clinical significance of this variant is uncertain due to the absence of conclusive functional and genetic evidence.

Ambry Genetics
Classification: Uncertain significance for Inborn genetic diseases. Last evaluated: 2022-09-26. Review status: criteria provided, single submitter. Criteria: Ambry Variant Classification Scheme 2023. Collection method: clinical testing. Allele origin: germline.

Athena Diagnostics
Classification: Likely benign. Last evaluated: 2020-05-13. Review status: criteria provided, single submitter. Criteria: Athena Diagnostics Criteria. Collection method: clinical testing. Allele origin: unknown.

NM_173500.4(TTBK2):c.1247A>G (p.Asn416Ser)

Gene: TTBK2 (tau tubulin kinase 2; minus strand). Cytogenetic location: 15q15.2.
Variant type: single nucleotide variant.
Coding change: c.1247A>G on transcript NM_173500.4 (MANE Select); coding-DNA position 1247, A replaced by G.
Protein change: p.Asn416Ser; replaces asparagine 416 with serine.
Molecular consequence: missense variant.
Genome position (GRCh38, 1-based): chr15:42,777,193, T>C on the plus strand (A>G on the coding strand, the complement: TTBK2 is on the minus strand). VCF-style: chr15-42777193-T-C. GRCh37 (hg19) VCF-style: chr15-43069391-T-C.
Other names: short protein forms N416S.
Identifiers: ClinVar variation 995025 (VCV000995025.8), dbSNP rs200010694, ClinGen allele CA7516928.